The following is an entry in ClinVar:

ClinVar aggregate classification (germline): Uncertain significance (1 of 4 stars; one submission).

Conditions:
Hereditary cancer-predisposing syndrome. Also called: Neoplastic Syndromes, Hereditary; Tumor predisposition; Hereditary Cancer Syndrome; Hereditary neoplastic syndrome. Identifiers: Orphanet 140162, MedGen C0027672, MeSH D009386, MONDO:0015356.

Submission:

Color Diagnostics, LLC DBA Color Health
Classification: Uncertain significance for Hereditary cancer-predisposing syndrome. Last evaluated: 2024-07-29. Review status: criteria provided, single submitter. Criteria: ACMG Guidelines, 2015. Collection method: clinical testing. Allele origin: germline.
Comment: This missense variant replaces glycine with arginine at codon 817 of the BRCA1 protein. Computational prediction is inconclusive regarding the impact of this variant on protein structure and function. To our knowledge, functional studies have not been reported for this variant. This variant has not been reported in individuals affected with BRCA1-related disorders in the literature. This variant has not been identified in the general population by the Genome Aggregation Database (gnomAD). The available evidence is insufficient to determine the role of this variant in disease conclusively. Therefore, this variant is classified as a Variant of Uncertain Significance.

NM_007294.4(BRCA1):c.2449G>C (p.Gly817Arg)

Gene: BRCA1 (BRCA1 DNA repair associated; minus strand). Cytogenetic location: 17q21.31.
Variant type: single nucleotide variant.
Coding change: c.2449G>C on transcript NM_007294.4 (MANE Select); coding-DNA position 2449, G replaced by C.
Protein change: p.Gly817Arg; replaces glycine 817 with arginine.
Molecular consequence: missense variant. On other transcripts: intron variant (137).
Genome position (GRCh38, 1-based): chr17:43,093,082, C>G on the plus strand (G>C on the coding strand, the complement: BRCA1 is on the minus strand). VCF-style: chr17-43093082-C-G. GRCh37 (hg19) VCF-style: chr17-41245099-C-G.
Other names: c.2239G>C, p.Gly747Arg (NM_001407881.1, NM_001407882.1, NM_001407884.1 and 13 more transcripts); c.643+1662G>C (NM_001408464.1, NM_001408468.1, NM_001408465.1 and 3 more transcripts); c.523+1662G>C (NM_001408498.1, NM_001408501.1, NM_001408500.1 and 3 more transcripts); c.646+1662G>C (NM_001408467.1, NM_001408459.1, NM_001408455.1 and 11 more transcripts); c.583+1662G>C (NM_001408475.1); c.709+1662G>C (NM_001408412.1, NM_001408409.1, NM_001408414.1 and 2 more transcripts); c.451+1662G>C (NM_001408509.1, NM_001408508.1); c.574+1662G>C (NM_001408491.1, NM_001408493.1, NM_001408490.1); and 41 more; short protein forms G521R, G649R, G689R, G690R, G705R, G706R, G728R, G729R.
Identifiers: ClinVar variation 3894514 (VCV003894514.1).